The following is an entry in ClinVar:

ClinVar aggregate classification (germline): Conflicting classifications of pathogenicity. Review status: criteria provided, conflicting classifications (1 of 4 stars). 3 submissions from 3 submitters: Uncertain significance (1); Benign (1). 1 of the submissions does not count toward it. Last evaluated 2024-11-10.

Conditions:
KMT2D-related disorder. Also called: KMT2D-Related Disorders.
Kabuki syndrome. Also called: Kabuki make-up syndrome; NIIKAWA-KUROKI SYNDROME. Identifiers: Orphanet 2322, MedGen C0796004, MONDO:0016512.
Kabuki syndrome 1 (KABUK1). Also called: KMT2D-Related Kabuki Syndrome. Identifiers: Orphanet 2322, MedGen CN030661, MONDO:0007843, OMIM 147920.

Allele frequency attached by ClinVar (database versions not stated): TOPMed below 0.00001; gnomAD exomes 0.00001.
gnomAD v4.1: 7 of 1,585,580 alleles (0.00044%); highest among the groups gnomAD compares: Admixed American, 0.0069%; no homozygotes.

Submissions (3):

Labcorp Genetics (formerly Invitae), Labcorp
Classification: Benign for Kabuki syndrome. Last evaluated: 2024-11-10. Review status: criteria provided, single submitter. Criteria: Invitae Variant Classification Sherloc (09022015). Collection method: clinical testing. Allele origin: germline.

Genetic Services Laboratory, University of Chicago
Classification: Uncertain significance for Kabuki syndrome 1. Last evaluated: 2013-02-08. Review status: criteria provided, single submitter. Criteria: ACMG Guidelines, 2007. Collection method: clinical testing. Allele origin: germline. Inheritance: Autosomal dominant inheritance.

PreventionGenetics, part of Exact Sciences
Classification: Uncertain significance for KMT2D-related condition. Last evaluated: 2024-06-11. Review status: no assertion criteria provided. Collection method: clinical testing. Allele origin: germline. Not counted in ClinVar's aggregate classification.
Comment: The KMT2D c.14840C>A variant is predicted to result in the amino acid substitution p.Pro4947His. This variant was reported as a variant of uncertain significance in an individual with Kabuki syndrome (Supplemental Table S3 in Faundes et al 2019. PubMed ID: 30459467). This variant is reported in 0.0061% of alleles in individuals of Latino descent in gnomAD. At this time, the clinical significance of this variant is uncertain due to the absence of conclusive functional and genetic evidence.

NM_003482.4(KMT2D):c.14840C>A (p.Pro4947His)

Gene: KMT2D (lysine methyltransferase 2D; minus strand). Cytogenetic location: 12q13.12.
Variant type: single nucleotide variant.
Coding change: c.14840C>A on transcript NM_003482.4 (MANE Select); coding-DNA position 14840, C replaced by A.
Protein change: p.Pro4947His; replaces proline 4947 with histidine.
Molecular consequence: missense variant.
Genome position (GRCh38, 1-based): chr12:49,027,126, G>T on the plus strand (C>A on the coding strand, the complement: KMT2D is on the minus strand). VCF-style: chr12-49027126-G-T. GRCh37 (hg19) VCF-style: chr12-49420909-G-T.
Other names: short protein forms P4947H.
Identifiers: ClinVar variation 158733 (VCV000158733.14), dbSNP rs587783694, ClinGen allele CA271596.
Genomic context (GRCh38, chr12:49,027,126, plus strand): 5'-GGCCGGGCACGGGGCTTGGGTCGGGCTGATTCAGGGGATGAGGCCAGTGGCAGAGGTGAG[G>T]GGACGGGTGGCTCAGCCAAGGGTTCGGTGGGAAGTTCAACCAAGGGCTCAGTAGGGGGAC-3'
Protein context (NP_003473.3, residues 4937-4957): PTEPLAEPPV[Pro4947His]SPLPLASSPE